The following is an entry in ClinVar:

ClinVar aggregate classification (germline): Uncertain significance (1 of 4 stars; one submission).

Conditions:
Malignant hyperthermia, susceptibility to, 1 (MHS1). Also called: Anesthesia related hyperthermia; Malignant hyperpyrexia; Fulminating hyperpyrexia; Pharmacogenic myopathy; Malignant hyperthermia suceptibility 1; RYR1-Related Malignant Hyperthermia Susceptibility. Identifiers: Orphanet 423, MedGen C2930980, MONDO:0007783, OMIM 145600.

Submission:

All of Us Research Program, National Institutes of Health
Classification: Uncertain significance for Malignant hyperthermia, susceptibility to, 1. Last evaluated: 2024-05-14. Review status: criteria provided, single submitter. Criteria: ACMG Guidelines, 2015. Collection method: clinical testing. Allele origin: germline. Inheritance: Autosomal dominant inheritance. Observed: 1 variant allele, 1 heterozygote.
Comment: This missense variant replaces glycine with valine at codon 3970 of the RYR1 protein. Computational prediction is inconclusive regarding the impact of this variant on protein structure and function. To our knowledge, functional studies have not been reported for this variant. This variant has not been reported in individuals affected with RYR1-related disorders in the literature. This variant has not been identified in the general population by the Genome Aggregation Database (gnomAD). The available evidence is insufficient to determine the role of this variant in disease conclusively. Therefore, this variant is classified as a Variant of Uncertain Significance.

This study involves interpretation of variants in research participants for the purpose of population health screening. Participant phenotype was not available at the time of variant classification. Additional details can be found in publication PMID: 35346344, PMCID: PMC8962531

NM_000540.3(RYR1):c.11909G>T (p.Gly3970Val)

Gene: RYR1 (ryanodine receptor 1; plus strand). Cytogenetic location: 19q13.2.
Variant type: single nucleotide variant.
Coding change: c.11909G>T on transcript NM_000540.3 (MANE Select); coding-DNA position 11909, G replaced by T.
Protein change: p.Gly3970Val; replaces glycine 3970 with valine.
Molecular consequence: missense variant.
Genome position (GRCh38, 1-based): chr19:38,543,772, G>T. VCF-style: chr19-38543772-G-T. GRCh37 (hg19) VCF-style: chr19-39034412-G-T.
Other names: c.11894G>T, p.Gly3965Val (NM_001042723.2); short protein forms G3965V, G3970V.
Identifiers: ClinVar variation 3385570 (VCV003385570.1).